The following is an entry in ClinVar:

ClinVar aggregate classification (germline): Uncertain significance (1 of 4 stars; one submission).

Conditions:
Infantile-onset ascending hereditary spastic paralysis (IAHSP). Also called: Autosomal Recessive Juvenile Amyotrophic Lateral Sclerosis; Infantile-Onset Ascending Hereditary Spastic Paralysis (IAHSP). Identifiers: Orphanet 293168, MedGen C2931441, MONDO:0011797, OMIM 607225. Disease mechanism: loss of function.

Allele frequency attached by ClinVar (database versions not stated): ExAC 0.00001; gnomAD 0.00001; TOPMed 0.00001; gnomAD exomes 0.00002.
gnomAD v4.1: 13 of 1,611,974 alleles (0.00081%); highest among the groups gnomAD compares: South Asian, 0.011%; no homozygotes.

Submission:

Labcorp Genetics (formerly Invitae), Labcorp
Classification: Uncertain significance for Infantile-onset ascending hereditary spastic paralysis. Last evaluated: 2021-07-10. Review status: criteria provided, single submitter. Criteria: Invitae Variant Classification Sherloc (09022015). Collection method: clinical testing. Allele origin: germline.
Comment: This sequence change affects codon 1083 of the ALS2 mRNA. It is a 'silent' change, meaning that it does not change the encoded amino acid sequence of the ALS2 protein. It affects a nucleotide within the consensus splice site of the intron. This variant is present in population databases (rs751623487, ExAC 0.006%). This variant has not been reported in the literature in individuals affected with ALS2-related conditions. Algorithms developed to predict the effect of sequence changes on RNA splicing suggest that this variant is not likely to affect RNA splicing. In summary, the available evidence is currently insufficient to determine the role of this variant in disease. Therefore, it has been classified as a Variant of Uncertain Significance.

NM_020919.4(ALS2):c.3249G>A (p.Gly1083=)

Gene: ALS2 (alsin Rho guanine nucleotide exchange factor ALS2; minus strand). Cytogenetic location: 2q33.1.
Variant type: single nucleotide variant.
Coding change: c.3249G>A on transcript NM_020919.4 (MANE Select); coding-DNA position 3249, G replaced by A.
Protein change: p.Gly1083=; no amino-acid change (glycine 1083 retained).
Molecular consequence: synonymous variant.
Genome position (GRCh38, 1-based): chr2:201,725,454, C>T on the plus strand (G>A on the coding strand, the complement: ALS2 is on the minus strand). VCF-style: chr2-201725454-C-T. GRCh37 (hg19) VCF-style: chr2-202590177-C-T.
Identifiers: ClinVar variation 1378981 (VCV001378981.6), dbSNP rs751623487, ClinGen allele CA2057933.